The following is an entry in ClinVar:

NM_003972.3(BTAF1):c.5075G>A (p.Arg1692Gln)

Gene: BTAF1 (B-TFIID TATA-box binding protein associated factor 1; plus strand). Cytogenetic location: 10q23.32.
Variant type: single nucleotide variant.
Coding change: c.5075G>A on transcript NM_003972.3 (MANE Select); coding-DNA position 5075, G replaced by A.
Protein change: p.Arg1692Gln; replaces arginine 1692 with glutamine.
Molecular consequence: missense variant. On other transcripts: non-coding transcript variant (14).
Genome position (GRCh38, 1-based): chr10:92,024,967, G>A. VCF-style: chr10-92024967-G-A. GRCh37 (hg19) VCF-style: chr10-93784724-G-A.
Other names: NC_000010.10:g.93784724G>A; short protein forms R1692Q.
Identifiers: ClinVar variation 3035906 (VCV003035906.3), dbSNP rs139357019, ClinGen allele CA5602291.

ClinVar aggregate classification (germline): Likely benign (0 of 4 stars; one submission).

Conditions:
BTAF1-related disorder. Also called: BTAF1-related condition.

Allele frequency attached by ClinVar (database versions not stated): 1000 Genomes Project 0.00140; 1000 Genomes Project 30x 0.00156; gnomAD 0.00172; TOPMed 0.00194; gnomAD exomes 0.00275; ESP Exome Variant Server 0.00284; ExAC 0.00296.
gnomAD v4.1: 4,241 of 1,612,574 alleles (0.26%); highest among the groups gnomAD compares: Non-Finnish European, 0.33%; 9 homozygotes.

Submissions (25):

PreventionGenetics, part of Exact Sciences
Classification: Likely benign for BTAF1-related condition. Last evaluated: 2022-06-20. Review status: no assertion criteria provided. Collection method: clinical testing. Allele origin: germline.
Comment: This variant is classified as likely benign based on ACMG/AMP sequence variant interpretation guidelines (Richards et al. 2015 PMID: 25741868, with internal and published modifications).

Dr. Peter K. Rogan Lab, Western University
No classification provided (evidence only). Condition: Clear cell carcinoma of kidney. Review status: no classification provided. Collection method: in vitro. Allele origin: not applicable. Functional consequence: retained intron. Not counted in ClinVar's aggregate classification.

Dr. Peter K. Rogan Lab, Western University
No classification provided (evidence only). Condition: Clear cell carcinoma of kidney. Review status: no classification provided. Collection method: in vitro. Allele origin: not applicable. Functional consequence: skipped exon, retained intron. Not counted in ClinVar's aggregate classification.

Dr. Peter K. Rogan Lab, Western University
No classification provided (evidence only). Condition: Lung cancer. Review status: no classification provided. Collection method: in vitro. Allele origin: not applicable. Functional consequence: skipped exon, retained intron. Not counted in ClinVar's aggregate classification.

Dr. Peter K. Rogan Lab, Western University
No classification provided (evidence only). Condition: Melanoma. Review status: no classification provided. Collection method: in vitro. Allele origin: not applicable. Functional consequence: skipped exon, retained intron. Not counted in ClinVar's aggregate classification.

Dr. Peter K. Rogan Lab, Western University
No classification provided (evidence only). Condition: Familial cancer of breast. Review status: no classification provided. Collection method: in vitro. Allele origin: not applicable. Functional consequence: retained intron. Not counted in ClinVar's aggregate classification.

Dr. Peter K. Rogan Lab, Western University
No classification provided (evidence only). Condition: Familial cancer of breast. Review status: no classification provided. Collection method: in vitro. Allele origin: not applicable. Functional consequence: retained intron. Not counted in ClinVar's aggregate classification.

Dr. Peter K. Rogan Lab, Western University
No classification provided (evidence only). Condition: Acute myeloid leukemia. Review status: no classification provided. Collection method: in vitro. Allele origin: not applicable. Functional consequence: skipped exon, retained intron. Not counted in ClinVar's aggregate classification.

Dr. Peter K. Rogan Lab, Western University
No classification provided (evidence only). Condition: Colorectal cancer. Review status: no classification provided. Collection method: in vitro. Allele origin: not applicable. Functional consequence: retained intron. Not counted in ClinVar's aggregate classification.

Dr. Peter K. Rogan Lab, Western University
No classification provided (evidence only). Condition: Thyroid cancer, nonmedullary, 1. Review status: no classification provided. Collection method: in vitro. Allele origin: not applicable. Functional consequence: retained intron. Not counted in ClinVar's aggregate classification.

Dr. Peter K. Rogan Lab, Western University
No classification provided (evidence only). Condition: Thyroid cancer, nonmedullary, 1. Review status: no classification provided. Collection method: in vitro. Allele origin: not applicable. Functional consequence: retained intron. Not counted in ClinVar's aggregate classification.

Dr. Peter K. Rogan Lab, Western University
No classification provided (evidence only). Condition: Thyroid cancer, nonmedullary, 1. Review status: no classification provided. Collection method: in vitro. Allele origin: not applicable. Functional consequence: skipped exon. Not counted in ClinVar's aggregate classification.

Dr. Peter K. Rogan Lab, Western University
No classification provided (evidence only). Condition: Uterine corpus endometrial carcinoma. Review status: no classification provided. Collection method: in vitro. Allele origin: not applicable. Functional consequence: retained intron. Not counted in ClinVar's aggregate classification.

Dr. Peter K. Rogan Lab, Western University
No classification provided (evidence only). Condition: Uterine corpus endometrial carcinoma. Review status: no classification provided. Collection method: in vitro. Allele origin: not applicable. Functional consequence: retained intron. Not counted in ClinVar's aggregate classification.

Dr. Peter K. Rogan Lab, Western University
No classification provided (evidence only). Condition: Hepatocellular carcinoma. Review status: no classification provided. Collection method: in vitro. Allele origin: not applicable. Functional consequence: retained intron. Not counted in ClinVar's aggregate classification.

Dr. Peter K. Rogan Lab, Western University
No classification provided (evidence only). Condition: Nonpapillary renal cell carcinoma. Review status: no classification provided. Collection method: in vitro. Allele origin: not applicable. Functional consequence: skipped exon. Not counted in ClinVar's aggregate classification.

Dr. Peter K. Rogan Lab, Western University
No classification provided (evidence only). Condition: Ovarian serous cystadenocarcinoma. Review status: no classification provided. Collection method: in vitro. Allele origin: not applicable. Functional consequence: retained intron. Not counted in ClinVar's aggregate classification.

Dr. Peter K. Rogan Lab, Western University
No classification provided (evidence only). Condition: Ovarian serous cystadenocarcinoma. Review status: no classification provided. Collection method: in vitro. Allele origin: not applicable. Functional consequence: retained intron. Not counted in ClinVar's aggregate classification.

Dr. Peter K. Rogan Lab, Western University
No classification provided (evidence only). Condition: Ovarian serous cystadenocarcinoma. Review status: no classification provided. Collection method: in vitro. Allele origin: not applicable. Functional consequence: retained intron. Not counted in ClinVar's aggregate classification.

Dr. Peter K. Rogan Lab, Western University
No classification provided (evidence only). Condition: Ovarian serous cystadenocarcinoma. Review status: no classification provided. Collection method: in vitro. Allele origin: not applicable. Functional consequence: retained intron. Not counted in ClinVar's aggregate classification.

Dr. Peter K. Rogan Lab, Western University
No classification provided (evidence only). Condition: Ovarian serous cystadenocarcinoma. Review status: no classification provided. Collection method: in vitro. Allele origin: not applicable. Functional consequence: retained intron. Not counted in ClinVar's aggregate classification.

Dr. Peter K. Rogan Lab, Western University
No classification provided (evidence only). Condition: Gastric cancer. Review status: no classification provided. Collection method: in vitro. Allele origin: not applicable. Functional consequence: retained intron. Not counted in ClinVar's aggregate classification.

Dr. Peter K. Rogan Lab, Western University
No classification provided (evidence only). Condition: Gastric cancer. Review status: no classification provided. Collection method: in vitro. Allele origin: not applicable. Functional consequence: retained intron. Not counted in ClinVar's aggregate classification.

Dr. Peter K. Rogan Lab, Western University
No classification provided (evidence only). Condition: Malignant tumor of esophagus. Review status: no classification provided. Collection method: in vitro. Allele origin: not applicable. Functional consequence: retained intron. Not counted in ClinVar's aggregate classification.

Dr. Peter K. Rogan Lab, Western University
No classification provided (evidence only). Condition: Malignant tumor of esophagus. Review status: no classification provided. Collection method: in vitro. Allele origin: not applicable. Functional consequence: skipped exon, retained intron. Not counted in ClinVar's aggregate classification.